The following is an entry in ClinVar:

NM_000540.3(RYR1):c.11119del (p.Arg3707fs)

Gene: RYR1 (ryanodine receptor 1; plus strand). Cytogenetic location: 19q13.2.
Variant type: Deletion.
Coding change: c.11119del on transcript NM_000540.3 (MANE Select); coding-DNA position 11119, one base deleted (C; older notation c.11119delC).
Protein change: p.Arg3707fs; shifts the reading frame from arginine 3707.
Molecular consequence: frameshift variant.
Genome position (GRCh38, 1-based): chr19:38,529,035, C deleted; the last of 2 consecutive C bases (chr19:38,529,034-38,529,035); deleting either gives the same sequence. VCF-style (leftmost placement, unchanged base first): chr19-38529033-GC-G. GRCh37 (hg19) VCF-style: chr19-39019673-GC-G.
Other names: c.11104del, p.Arg3702fs (NM_001042723.2); short protein forms R3707fs, R3702fs.
Identifiers: ClinVar variation 1977754 (VCV001977754.5), dbSNP rs2514500387, ClinGen allele CA2580097205.

ClinVar aggregate classification (germline): Pathogenic (1 of 4 stars; one submission).

Conditions:
RYR1-related disorder. Also called: RYR1-related condition; RYR1-related disorders. Identifiers: MedGen CN239331.

Submission:

Labcorp Genetics (formerly Invitae), Labcorp
Classification: Pathogenic for RYR1-related disorder. Last evaluated: 2022-07-04. Review status: criteria provided, single submitter. Criteria: Invitae Variant Classification Sherloc (09022015). Collection method: clinical testing. Allele origin: germline.
Comment: For these reasons, this variant has been classified as Pathogenic. This variant has not been reported in the literature in individuals affected with RYR1-related conditions. This variant is not present in population databases (gnomAD no frequency). This sequence change creates a premature translational stop signal (p.Arg3707Alafs*4) in the RYR1 gene. It is expected to result in an absent or disrupted protein product. Loss-of-function variants in RYR1 are known to be pathogenic (PMID: 20583297, 20839240, 23919265, 28818389).

Literature cited by the submitters: PubMed 20583297; PubMed 20839240; PubMed 23919265; PubMed 28818389.